The following is an entry in ClinVar:

ClinVar aggregate classification (germline): Uncertain significance (1 of 4 stars; one submission).

Submission:

Labcorp Genetics (formerly Invitae), Labcorp
Classification: Uncertain significance. Last evaluated: 2022-11-02. Review status: criteria provided, single submitter. Criteria: Invitae Variant Classification Sherloc (09022015). Collection method: clinical testing. Allele origin: germline.
Comment: In summary, the available evidence is currently insufficient to determine the role of this variant in disease. Therefore, it has been classified as a Variant of Uncertain Significance. Advanced modeling of protein sequence and biophysical properties (such as structural, functional, and spatial information, amino acid conservation, physicochemical variation, residue mobility, and thermodynamic stability) performed at Invitae indicates that this missense variant is not expected to disrupt COL2A1 protein function. This variant has not been reported in the literature in individuals affected with COL2A1-related conditions. This variant is not present in population databases (gnomAD no frequency). This sequence change replaces serine, which is neutral and polar, with asparagine, which is neutral and polar, at codon 77 of the COL2A1 protein (p.Ser77Asn).

NM_001844.5(COL2A1):c.230G>A (p.Ser77Asn)

Gene: COL2A1 (collagen type II alpha 1 chain; minus strand). Cytogenetic location: 12q13.11.
Variant type: single nucleotide variant.
Coding change: c.230G>A on transcript NM_001844.5 (MANE Select); coding-DNA position 230, G replaced by A.
Protein change: p.Ser77Asn; replaces serine 77 with asparagine.
Molecular consequence: missense variant. On other transcripts: intron variant (1).
Genome position (GRCh38, 1-based): chr12:47,999,981, C>T on the plus strand (G>A on the coding strand, the complement: COL2A1 is on the minus strand). VCF-style: chr12-47999981-C-T. GRCh37 (hg19) VCF-style: chr12-48393764-C-T.
Other names: c.86-1550G>A (NM_033150.3); short protein forms S77N.
Identifiers: ClinVar variation 2876653 (VCV002876653.3), dbSNP rs2540187508, ClinGen allele CA384526065.
Genomic context (GRCh38, chr12:47,999,981, plus strand): 5'-CTGGCAGTGGCGAGGTCAGTTGGGCAGATGGGGCAGCACTCTCCGAAGGGGATCTCAGGG[C>T]TGAGGCAGTCTTTCACGTCTTCACAGATTATGTCGTCGCAGAGGACAGTCCCAGTGTCAC-3'
Protein context (NP_001835.3, residues 67-87): IICEDVKDCL[Ser77Asn]PEIPFGECCP